The following is an entry in ClinVar:

ClinVar aggregate classification (germline): Conflicting classifications of pathogenicity. Review status: criteria provided, conflicting classifications (1 of 4 stars). 2 submissions from 2 submitters: Uncertain significance (1); Likely benign (1). Last evaluated 2026-04-15.

Conditions:
Hereditary cancer-predisposing syndrome. Also called: Tumor predisposition; Hereditary Cancer Syndrome; Hereditary neoplastic syndrome; Neoplastic Syndromes, Hereditary. Identifiers: Orphanet 140162, MedGen C0027672, MeSH D009386, MONDO:0015356.
Multiple endocrine neoplasia, type 2 (MEN2). Identifiers: Orphanet 653, MedGen C4048306, MONDO:0019003. Disease mechanism: gain of function.

Allele frequency attached by ClinVar (database versions not stated): TOPMed below 0.00001; ExAC 0.00001.

Submissions (2):

Ambry Genetics
Classification: Likely benign for Hereditary cancer-predisposing syndrome. Last evaluated: 2026-04-15. Review status: criteria provided, single submitter. Criteria: Ambry Variant Classification Scheme 2023. Collection method: clinical testing. Allele origin: germline.

Labcorp Genetics (formerly Invitae), Labcorp
Classification: Uncertain significance for Multiple endocrine neoplasia, type 2. Last evaluated: 2025-07-30. Review status: criteria provided, single submitter. Criteria: Invitae Variant Classification Sherloc (09022015). Collection method: clinical testing. Allele origin: germline.
Comment: This sequence change replaces asparagine, which is neutral and polar, with aspartic acid, which is acidic and polar, at codon 429 of the RET protein (p.Asn429Asp). This variant is present in population databases (rs779625196, gnomAD 0.006%). This variant has not been reported in the literature in individuals affected with RET-related conditions. ClinVar contains an entry for this variant (Variation ID: 2167546). An algorithm developed to predict the effect of missense changes on protein structure and function (PolyPhen-2) suggests that this variant is likely to be tolerated. In summary, the available evidence is currently insufficient to determine the role of this variant in disease. Therefore, it has been classified as a Variant of Uncertain Significance.

NM_020975.6(RET):c.1285A>G (p.Asn429Asp)

Gene: RET (ret proto-oncogene; plus strand). Cytogenetic location: 10q11.21.
Variant type: single nucleotide variant.
Coding change: c.1285A>G on transcript NM_020975.6 (MANE Select); coding-DNA position 1285, A replaced by G.
Protein change: p.Asn429Asp; replaces asparagine 429 with aspartic acid.
Molecular consequence: missense variant.
Genome position (GRCh38, 1-based): chr10:43,111,228, A>G. VCF-style: chr10-43111228-A-G. GRCh37 (hg19) VCF-style: chr10-43606676-A-G.
Other names: c.1285A>G, p.Asn429Asp (NM_000323.2, NM_001406743.1, NM_001406744.1 and 6 more transcripts); c.523A>G, p.Asn175Asp (NM_001355216.2); c.1156A>G, p.Asn386Asp (NM_001406761.1, NM_001406762.1, NM_001406764.1 and 1 more transcripts); c.997A>G, p.Asn333Asp (NM_001406766.1, NM_001406767.1, NM_001406770.1); c.889A>G, p.Asn297Asp (NM_001406769.1, NM_001406772.1); c.847A>G, p.Asn283Asp (NM_001406771.1, NM_001406773.1); c.760A>G, p.Asn254Asp (NM_001406774.1); c.559A>G, p.Asn187Asp (NM_001406775.1, NM_001406776.1, NM_001406777.1 and 1 more transcripts); and 1 more; short protein forms N254D, N333D, N187D, N297D, N175D, N386D, N99D, N283D.
Identifiers: ClinVar variation 2167546 (VCV002167546.5), dbSNP rs779625196, ClinGen allele CA032862.
Genomic context (GRCh38, chr10:43,111,228, plus strand): 5'-CCAGCTGCCTGGCTAAGGTGTTCCCCTGTGCCCCCCTAGATCGGGAAAGTCTGTGTGGAA[A>G]ACTGCCAGGCATTCAGTGGCATCAACGTCCAGTACAAGCTGCATTCCTCTGGTGCCAACT-3'
Protein context (NP_066124.1, residues 419-439): FAQIGKVCVE[Asn429Asp]CQAFSGINVQ